The following is an entry in ClinVar:

ClinVar aggregate classification (germline): Uncertain significance. Review status: criteria provided, multiple submitters, no conflicts (2 of 4 stars). 2 submissions from 2 submitters: Uncertain significance (2). Last evaluated 2025-08-26.

Conditions:
Inborn genetic diseases. Identifiers: MedGen C0950123, MeSH D030342.
Ectodermal dysplasia and immunodeficiency 2. Identifiers: Orphanet 238468, Orphanet 98813, MedGen C2677481, MONDO:0012806, OMIM 612132.

Submissions (2):

Labcorp Genetics (formerly Invitae), Labcorp
Classification: Uncertain significance for Ectodermal dysplasia and immunodeficiency 2. Last evaluated: 2025-08-26. Review status: criteria provided, single submitter. Criteria: Invitae Variant Classification Sherloc (09022015). Collection method: clinical testing. Allele origin: germline.
Comment: This sequence change replaces proline, which is neutral and non-polar, with serine, which is neutral and polar, at codon 304 of the NFKBIA protein (p.Pro304Ser). This variant is present in population databases (rs751338755, gnomAD 0.0009%). This variant has not been reported in the literature in individuals affected with NFKBIA-related conditions. ClinVar contains an entry for this variant (Variation ID: 3919350). An algorithm developed to predict the effect of missense changes on protein structure and function (PolyPhen-2) suggests that this variant is likely to be tolerated. In summary, the available evidence is currently insufficient to determine the role of this variant in disease. Therefore, it has been classified as a Variant of Uncertain Significance.

Ambry Genetics
Classification: Uncertain significance for Inborn genetic diseases. Last evaluated: 2025-05-06. Review status: criteria provided, single submitter. Criteria: Ambry Variant Classification Scheme 2023. Collection method: clinical testing. Allele origin: germline.

NM_020529.3(NFKBIA):c.910C>T (p.Pro304Ser)

Gene: NFKBIA (NFKB inhibitor alpha; minus strand). Cytogenetic location: 14q13.2.
Variant type: single nucleotide variant.
Coding change: c.910C>T on transcript NM_020529.3 (MANE Select); coding-DNA position 910, C replaced by T.
Protein change: p.Pro304Ser; replaces proline 304 with serine.
Molecular consequence: missense variant.
Genome position (GRCh38, 1-based): chr14:35,402,057, G>A on the plus strand (C>T on the coding strand, the complement: NFKBIA is on the minus strand). VCF-style: chr14-35402057-G-A. GRCh37 (hg19) VCF-style: chr14-35871263-G-A.
Other names: short protein forms P304S.
Identifiers: ClinVar variation 3919350 (VCV003919350.2).